The following is an entry in ClinVar:

ClinVar aggregate classification (germline): Benign/Likely benign. Review status: criteria provided, multiple submitters, no conflicts (2 of 4 stars). 12 submissions from 12 submitters: Benign (6); Likely benign (1). 5 of the submissions do not count toward it. Last evaluated 2026-02-04.

Conditions:
Inborn genetic diseases. Identifiers: MedGen C0950123, MeSH D030342.
Neuronal ceroid lipofuscinosis. Also called: Neuronal Ceroid Lipofuscinoses. Identifiers: Orphanet 216, Orphanet 79263, MedGen C0027877, MONDO:0016295. Disease mechanism: loss of function.
Neuronal ceroid lipofuscinosis 5 (CLN5). Also called: CEROID LIPOFUSCINOSIS, NEURONAL, 5, VARIABLE AGE AT ONSET; Neuronal ceroid lipofuscinosis Finnish variant; NEURONAL CEROID LIPOFUSCINOSIS, LATE INFANTILE, FINNISH VARIANT; CLN5-Related Neuronal Ceroid-Lipofuscinosis. Identifiers: Orphanet 168491, Orphanet 228360, MedGen C1850442, MONDO:0009745, OMIM 256731.

Allele frequency attached by ClinVar (database versions not stated): gnomAD 0.01484 and 0.01377; TOPMed 0.01852; ExAC 0.01984; gnomAD exomes 0.02020; 1000 Genomes Project 30x 0.02639; 1000 Genomes Project 0.02756; ESP Exome Variant Server 0.01299.

Submissions (12):

Labcorp Genetics (formerly Invitae), Labcorp
Classification: Benign for Neuronal ceroid lipofuscinosis. Last evaluated: 2026-02-04. Review status: criteria provided, single submitter. Criteria: Invitae Variant Classification Sherloc (09022015). Collection method: clinical testing. Allele origin: germline.

Women's Health and Genetics/Laboratory Corporation of America, LabCorp
Classification: Benign. Last evaluated: 2022-05-03. Review status: criteria provided, single submitter. Criteria: LabCorp Variant Classification Summary - May 2015. Collection method: clinical testing. Allele origin: germline.

Illumina Laboratory Services, Illumina
Classification: Benign for Neuronal ceroid lipofuscinosis 5. Last evaluated: 2018-01-13. Review status: criteria provided, single submitter. Criteria: ICSL Variant Classification Criteria 13 December 2019. Collection method: clinical testing. Allele origin: germline.
Comment: This variant was observed in the ICSL laboratory as part of a predisposition screen in an ostensibly healthy population. It had not been previously curated by ICSL or reported in the Human Gene Mutation Database (HGMD: prior to June 1st, 2018), and was therefore a candidate for classification through an automated scoring system. Utilizing variant allele frequency, disease prevalence and penetrance estimates, and inheritance mode, an automated score was calculated to assess if this variant is too frequent to cause the disease. Based on the score and internal cut-off values, a variant classified as benign is not then subjected to further curation. The score for this variant resulted in a classification of benign for this disease.

Ambry Genetics
Classification: Benign for Inborn genetic diseases. Last evaluated: 2016-04-14. Review status: criteria provided, single submitter. Criteria: Ambry Variant Classification Scheme 2023. Collection method: clinical testing. Allele origin: germline.

GeneDx
Classification: Benign. Last evaluated: 2012-04-27. Review status: criteria provided, single submitter. Criteria: GeneDx Variant Classification (06012015). Collection method: clinical testing. Allele origin: germline. Affected: yes.
Comment: This variant is considered likely benign or benign based on one or more of the following criteria: it is a conservative change, it occurs at a poorly conserved position in the protein, it is predicted to be benign by multiple in silico algorithms, and/or has population frequency not consistent with disease.

Breakthrough Genomics
Classification: Likely benign. Review status: criteria provided, single submitter. Criteria: ACMG Guidelines, 2015. Collection method: not provided. Allele origin: germline. Inheritance: Autosomal recessive inheritance. Affected: yes.

PreventionGenetics, part of Exact Sciences
Classification: Benign. Review status: criteria provided, single submitter. Criteria: ACMG Guidelines, 2015. Collection method: clinical testing. Allele origin: germline.

Natera, Inc.
Classification: Benign for Neuronal ceroid lipofuscinosis 5. Last evaluated: 2020-09-16. Review status: no assertion criteria provided. Collection method: clinical testing. Allele origin: germline. Not counted in ClinVar's aggregate classification.

Mayo Clinic Laboratories, Mayo Clinic
Classification: Benign. Last evaluated: 2015-12-16. Review status: no assertion criteria provided. Collection method: clinical testing. Allele origin: unknown. Not counted in ClinVar's aggregate classification.

Genetic Services Laboratory, University of Chicago
Classification: Likely benign for AllHighlyPenetrant. Review status: no assertion criteria provided. Collection method: clinical testing. Allele origin: germline. Inheritance: Autosomal recessive inheritance. Not counted in ClinVar's aggregate classification.
Comment: Likely benign based on allele frequency in 1000 Genomes Project or ESP global frequency and its presence in a patient with a rare or unrelated disease phenotype. NOT Sanger confirmed.

Genome Diagnostics Laboratory, Amsterdam University Medical Center
Classification: Benign. Review status: no assertion criteria provided. Collection method: clinical testing. Allele origin: germline. Affected: yes. Study: VKGL Data-share Consensus. Not counted in ClinVar's aggregate classification.

Genome Diagnostics Laboratory, University Medical Center Utrecht
Classification: Likely benign. Review status: no assertion criteria provided. Collection method: clinical testing. Allele origin: germline. Affected: yes. Study: VKGL Data-share Consensus. Not counted in ClinVar's aggregate classification.

NM_006493.4(CLN5):c.381T>G (p.Thr127=)

Gene: CLN5 (CLN5 lysosomal BMP synthase; plus strand). Cytogenetic location: 13q22.3.
Variant type: single nucleotide variant.
Coding change: c.381T>G on transcript NM_006493.4 (MANE Select); coding-DNA position 381, T replaced by G.
Protein change: p.Thr127=; no amino-acid change (threonine 127 retained).
Molecular consequence: synonymous variant.
Genome position (GRCh38, 1-based): chr13:76,995,943, T>G. VCF-style: chr13-76995943-T-G. GRCh37 (hg19) VCF-style: chr13-77570078-T-G.
Other names: p.T176T:ACT>ACG; c.528T>G (LRG_692t1); c.381T>G, p.Thr127= (NM_001366624.2).
Identifiers: ClinVar variation 128783 (VCV000128783.33), dbSNP rs34481987, ClinGen allele CA288741.